The following is an entry in ClinVar:

ClinVar aggregate classification (germline): Pathogenic/Likely pathogenic. Review status: criteria provided, multiple submitters, no conflicts (2 of 4 stars). 2 submissions from 2 submitters: Pathogenic (1); Likely pathogenic (1). Last evaluated 2025-07-14.

Conditions:
Hereditary breast ovarian cancer syndrome. Also called: Hereditary breast and ovarian cancer syndrome; Hereditary breast and/or ovarian cancer syndrome; BRCA1- and BRCA2-Associated Hereditary Breast and Ovarian Cancer; Hereditary breast and ovarian cancer syndrome (HBOC); Breast and ovarian cancer; Hereditary breast and ovarian cancer. Identifiers: Orphanet 145, MedGen C0677776, MeSH D061325, MONDO:0003582. Disease mechanism: loss of function.
Breast-ovarian cancer, familial, susceptibility to, 2 (BROVCA2). Also called: BRCA2 Hereditary Breast and Ovarian Cancer. Identifiers: Orphanet 145, MedGen C2675520, MONDO:0012933, OMIM 612555. Disease mechanism: loss of function.

Submissions (2):

Labcorp Genetics (formerly Invitae), Labcorp
Classification: Pathogenic for Hereditary breast ovarian cancer syndrome. Last evaluated: 2025-07-14. Review status: criteria provided, single submitter. Criteria: Invitae Variant Classification Sherloc (09022015). Collection method: clinical testing. Allele origin: germline.
Comment: This sequence change creates a premature translational stop signal (p.Trp31*) in the BRCA2 gene. It is expected to result in an absent or disrupted protein product. Loss-of-function variants in BRCA2 are known to be pathogenic (PMID: 20104584). This variant is not present in population databases (gnomAD no frequency). This premature translational stop signal has been observed in individual(s) with BRCA2-related cancers (PMID: 34413315). ClinVar contains an entry for this variant (Variation ID: 1174606). For these reasons, this variant has been classified as Pathogenic.

Clinical Cancer Genomics Laboratory, City of Hope Comprehensive Cancer Center
Classification: Likely pathogenic for Breast-ovarian cancer, familial, susceptibility to, 2. Last evaluated: 2021-01-01. Review status: criteria provided, single submitter. Criteria: ACMG Guidelines, 2015. Collection method: clinical testing. Allele origin: germline. Affected: yes. Observed: 1 variant allele.

Literature cited by the submitters: PubMed 20104584 (cited by Labcorp Genetics (formerly Invitae), Labcorp); PubMed 34413315 (cited by Labcorp Genetics (formerly Invitae), Labcorp).

NM_000059.4(BRCA2):c.93_97del (p.Trp31_Glu33delinsTer)

Gene: BRCA2 (BRCA2 DNA repair associated; plus strand). Cytogenetic location: 13q13.1.
Variant type: Deletion.
Coding change: c.93_97del on transcript NM_000059.4 (MANE Select); coding-DNA positions 93 to 97, 5 bases deleted (GTTTG; older notation c.93_97delGTTTG).
Protein change: p.Trp31_Glu33delinsTer.
Molecular consequence: nonsense.
Genome position (GRCh38, 1-based): chr13:32,319,102-32,319,106, GTTTG deleted; deleting any 5 consecutive bases within chr13:32,319,099-32,319,106 gives the same sequence; the c. name uses the placement nearest the transcript's 3' end. VCF-style (leftmost placement, unchanged base first): chr13-32319098-ATTGGT-A. GRCh37 (hg19) VCF-style: chr13-32893235-ATTGGT-A.
Other names: c.90_94del (NM_000059.4).
Identifiers: ClinVar variation 1174606 (VCV001174606.3), dbSNP rs2138703748, ClinGen allele CA2499222016.